The following is an entry in ClinVar:

ClinVar aggregate classification (germline): Uncertain significance (1 of 4 stars; one submission).

gnomAD v4.1: 177 of 1,613,800 alleles (0.011%); highest among the groups gnomAD compares: Non-Finnish European, 0.014%; no homozygotes.

Submission:

Labcorp Genetics (formerly Invitae), Labcorp
Classification: Uncertain significance. Last evaluated: 2025-09-24. Review status: criteria provided, single submitter. Criteria: Invitae Variant Classification Sherloc (09022015). Collection method: clinical testing. Allele origin: germline.
Comment: This sequence change falls in intron 16 of the HPS1 gene. It does not directly change the encoded amino acid sequence of the HPS1 protein. It affects a nucleotide within the consensus splice site. This variant is present in population databases (rs374636327, gnomAD 0.005%). This variant has not been reported in the literature in individuals affected with HPS1-related conditions. Variants that disrupt the consensus splice site are a relatively common cause of aberrant splicing (PMID: 17576681, 9536098). Algorithms developed to predict the effect of sequence changes on RNA splicing suggest that this variant is not likely to affect RNA splicing. In summary, the available evidence is currently insufficient to determine the role of this variant in disease. Therefore, it has been classified as a Variant of Uncertain Significance.

Literature cited by the submitters: PubMed 17576681; PubMed 9536098.

NM_000195.5(HPS1):c.1599-3C>T

Gene: HPS1 (HPS1 biogenesis of lysosomal organelles complex 3 subunit 1; minus strand). Cytogenetic location: 10q24.2.
Variant type: single nucleotide variant.
Coding change: c.1599-3C>T on transcript NM_000195.5 (MANE Select); 3 bases into the intron before coding-DNA position 1599, C replaced by T.
Molecular consequence: intron variant.
Genome position (GRCh38, 1-based): chr10:98,422,516, G>A on the plus strand (C>T on the coding strand, the complement: HPS1 is on the minus strand). VCF-style: chr10-98422516-G-A. GRCh37 (hg19) VCF-style: chr10-100182273-G-A.
Other names: c.1230-3C>T (NM_001322483.2, NM_001322484.2); c.1338-3C>T (NM_001322480.2, NM_001322481.2); c.1500-3C>T (NM_001322478.2, NM_001322479.2); c.1599-3C>T (NM_001322476.2, NM_001322477.2); c.1131-3C>T (NM_001322485.2); c.1239-3C>T (NM_001322482.2); c.627-3C>T (NM_001322489.2, NM_001311345.2, NM_001322487.2).
Identifiers: ClinVar variation 4737456 (VCV004737456.1).
Genomic context (GRCh38, chr10:98,422,516, plus strand): 5'-CCCAGTGGTGCGGTCCACATAGATGAAGTGCACCAAGCCTGGGAAGTCTTCTAGGTAGGT[G>A]AAGGTCTGAGTTAAGGTGCTTACAAGCCAGGAGCTAGGGACGGCCTGCCTCTGTCCTGGG-3'